The following is an entry in ClinVar:

NM_004360.5(CDH1):c.2296-13T>C

Gene: CDH1 (cadherin 1; plus strand). Cytogenetic location: 16q22.1.
Variant type: single nucleotide variant.
Coding change: c.2296-13T>C on transcript NM_004360.5 (MANE Select); 13 bases into the intron before coding-DNA position 2296, T replaced by C.
Molecular consequence: intron variant.
Genome position (GRCh38, 1-based): chr16:68,829,641, T>C. VCF-style: chr16-68829641-T-C. GRCh37 (hg19) VCF-style: chr16-68863544-T-C.
Other names: c.748-13T>C (NM_001317185.2); c.331-13T>C (NM_001317186.2); c.2113-13T>C (NM_001317184.2).
Identifiers: ClinVar variation 3379316 (VCV003379316.1).

ClinVar aggregate classification (germline): Likely benign (1 of 4 stars; one submission).

Conditions:
Hereditary diffuse gastric adenocarcinoma (HDGC). Also called: DIFFUSE GASTRIC AND LOBULAR BREAST CANCER SYNDROME. Identifiers: Orphanet 26106, MedGen C1708349, MONDO:0007648, OMIM 137215.

Submission:

Myriad Genetics, Inc.
Classification: Likely benign for Hereditary diffuse gastric adenocarcinoma. Last evaluated: 2024-09-23. Review status: criteria provided, single submitter. Criteria: Myriad Autosomal Dominant, Autosomal Recessive and X-Linked Classification Criteria (2023). Collection method: clinical testing. Allele origin: unknown.
Comment: This variant is considered likely benign. This variant is intronic and is not expected to impact mRNA splicing.